The following is an entry in ClinVar:

NM_000094.4(COL7A1):c.4217G>A (p.Gly1406Glu)

Gene: COL7A1 (collagen type VII alpha 1 chain; minus strand). Cytogenetic location: 3p21.31.
Variant type: single nucleotide variant.
Coding change: c.4217G>A on transcript NM_000094.4 (MANE Select); coding-DNA position 4217, G replaced by A.
Protein change: p.Gly1406Glu; replaces glycine 1406 with glutamic acid.
Molecular consequence: missense variant.
Genome position (GRCh38, 1-based): chr3:48,584,042, C>T on the plus strand (G>A on the coding strand, the complement: COL7A1 is on the minus strand). VCF-style: chr3-48584042-C-T. GRCh37 (hg19) VCF-style: chr3-48621475-C-T.
Other names: short protein forms G1406E.
Identifiers: ClinVar variation 3687400 (VCV003687400.2).

ClinVar aggregate classification (germline): Uncertain significance (1 of 4 stars; one submission).

Submission:

Labcorp Genetics (formerly Invitae), Labcorp
Classification: Uncertain significance. Last evaluated: 2024-02-05. Review status: criteria provided, single submitter. Criteria: Invitae Variant Classification Sherloc (09022015). Collection method: clinical testing. Allele origin: germline.
Comment: This sequence change replaces glycine, which is neutral and non-polar, with glutamic acid, which is acidic and polar, at codon 1406 of the COL7A1 protein (p.Gly1406Glu). This variant is not present in population databases (gnomAD no frequency). This variant has not been reported in the literature in individuals affected with COL7A1-related conditions. Advanced modeling of protein sequence and biophysical properties (such as structural, functional, and spatial information, amino acid conservation, physicochemical variation, residue mobility, and thermodynamic stability) performed at Invitae indicates that this missense variant is expected to disrupt COL7A1 protein function with a positive predictive value of 95%. This variant disrupts the triple helix domain of COL7A1. Glycine residues within the Gly-Xaa-Yaa repeats of the triple helix domain are required for the structure and stability of fibrillar collagens (PMID: 7695699, 8218237, 19344236), and variants at these glycine residues in COL7A1 are more frequently observed in individuals with disease than in the general population (PMID: 22058051). However, the clinical significance of this observation remains uncertain since only a limited number of affected individuals have been described to date. In summary, the available evidence is currently insufficient to determine the role of this variant in disease. Therefore, it has been classified as a Variant of Uncertain Significance.

Literature cited by the submitters: PubMed 7695699; PubMed 8218237; PubMed 19344236; PubMed 22058051.